The following is an entry in ClinVar:

NM_144999.4(LRRC45):c.1392C>T (p.Ser464=)

Gene: LRRC45 (leucine rich repeat containing 45; plus strand). Cytogenetic location: 17q25.3.
Variant type: single nucleotide variant.
Coding change: c.1392C>T on transcript NM_144999.4 (MANE Select); coding-DNA position 1392, C replaced by T.
Protein change: p.Ser464=; no amino-acid change (serine 464 retained).
Molecular consequence: synonymous variant.
Genome position (GRCh38, 1-based): chr17:82,029,176, C>T. VCF-style: chr17-82029176-C-T. GRCh37 (hg19) VCF-style: chr17-79987052-C-T.
Identifiers: ClinVar variation 4989501 (VCV004989501.1).

ClinVar aggregate classification (germline): Likely benign (1 of 4 stars; one submission).

Conditions:
LRRC45-related disorder. Also called: LRRC45-related condition.

gnomAD v4.1: 265 of 1,610,486 alleles (0.016%); highest among the groups gnomAD compares: South Asian, 0.21%; 2 homozygotes.

Submission:

PreventionGenetics, part of Exact Sciences
Classification: Likely benign for LRRC45-related condition. Last evaluated: 2024-11-07. Review status: criteria provided, single submitter. Criteria: ACMG Guidelines, 2015. Collection method: clinical testing. Allele origin: germline.
Comment: This variant is classified as likely benign based on ACMG/AMP sequence variant interpretation guidelines (Richards et al. 2015 PMID: 25741868, with internal and published modifications).